The following is an entry in ClinVar:

NM_006648.4(WNK2):c.6526C>T (p.Pro2176Ser)

Gene: WNK2 (WNK lysine deficient protein kinase 2; plus strand). Cytogenetic location: 9q22.31.
Variant type: single nucleotide variant.
Coding change: c.6526C>T on transcript NM_006648.4 (MANE Select); coding-DNA position 6526, C replaced by T.
Protein change: p.Pro2176Ser; replaces proline 2176 with serine.
Molecular consequence: missense variant.
Genome position (GRCh38, 1-based): chr9:93,317,529, C>T. VCF-style: chr9-93317529-C-T. GRCh37 (hg19) VCF-style: chr9-96079811-C-T.
Other names: c.6637C>T, p.Pro2213Ser (NM_001282394.3); short protein forms P2213S, P2176S.
Identifiers: ClinVar variation 3981844 (VCV003981844.1).

ClinVar aggregate classification (germline): Uncertain significance (1 of 4 stars; one submission).

Submission:

Ambry Genetics
Classification: Uncertain significance. Last evaluated: 2025-04-10. Review status: criteria provided, single submitter. Criteria: Ambry Variant Classification Scheme 2023. Collection method: clinical testing. Allele origin: germline.
Comment: The p.P2176S variant (also known as c.6526C>T), located in coding exon 28 of the WNK2 gene, results from a C to T substitution at nucleotide position 6526. The proline at codon 2176 is replaced by serine, an amino acid with similar properties. This amino acid position is conserved. In addition, this alteration is predicted to be tolerated by in silico analysis. Based on the available evidence, the clinical significance of this variant remains unclear.